The following is an entry in ClinVar:

ClinVar aggregate classification (germline): Conflicting classifications of pathogenicity. Review status: criteria provided, conflicting classifications (1 of 4 stars). 6 submissions from 6 submitters: Uncertain significance (4); Likely benign (1). 1 of the submissions does not count toward it. Last evaluated 2026-01-19.

Conditions:
Inborn genetic diseases. Identifiers: MedGen C0950123, MeSH D030342.
Usher syndrome type 1B (USH1B). Also called: Usher syndrome type IB. Identifiers: MedGen C1848638, MONDO:0700087.

Allele frequency attached by ClinVar (database versions not stated): gnomAD exomes 0.00008 and 0.00028; 1000 Genomes Project 30x 0.00016; ESP Exome Variant Server 0.00024; gnomAD 0.00015; 1000 Genomes Project 0.00020; TOPMed 0.00022; ExAC 0.00024.
gnomAD v4.1: 136 of 1,613,920 alleles (0.0084%); highest among the groups gnomAD compares: Admixed American, 0.062%; no homozygotes.

Submissions (6):

Labcorp Genetics (formerly Invitae), Labcorp
Classification: Likely benign. Last evaluated: 2026-01-19. Review status: criteria provided, single submitter. Criteria: Invitae Variant Classification Sherloc (09022015). Collection method: clinical testing. Allele origin: germline.

Blueprint Genetics
Classification: Uncertain significance. Last evaluated: 2023-06-21. Review status: criteria provided, single submitter. Criteria: ACMG Guidelines, 2015. Collection method: clinical testing. Allele origin: germline.

GeneDx
Classification: Uncertain significance. Last evaluated: 2022-08-23. Review status: criteria provided, single submitter. Criteria: GeneDx Variant Classification Process June 2021. Collection method: clinical testing. Allele origin: germline. Affected: yes.
Comment: In silico analysis, which includes protein predictors and evolutionary conservation, supports that this variant does not alter protein structure/function; Has not been previously published as pathogenic or benign to our knowledge

Ambry Genetics
Classification: Uncertain significance for Inborn genetic diseases. Last evaluated: 2021-09-17. Review status: criteria provided, single submitter. Criteria: Ambry Variant Classification Scheme 2023. Collection method: clinical testing. Allele origin: germline.

Laboratory for Molecular Medicine, Mass General Brigham Personalized Medicine
Classification: Uncertain significance. Last evaluated: 2018-10-30. Review status: criteria provided, single submitter. Criteria: LMM Criteria. Collection method: clinical testing. Allele origin: germline. Observed: 2 variant alleles.
Comment: Variant classified as Uncertain Significance - Favor Benign. It has also been identified in 0.11% (39/35372) of Latino chromosomes by g nomAD. Computational prediction tools and con servation analysis do not provide strong support for or against an impact to the protein. In summary, while the clinical significance of the p.Val1491Met varian t is uncertain, its frequency suggests it is more likely to be benign. ACMG/AMP Criteria applied: BS1_Supporting.

Natera, Inc.
Classification: Uncertain significance for Usher syndrome type 1B. Last evaluated: 2019-11-11. Review status: no assertion criteria provided. Collection method: clinical testing. Allele origin: germline. Not counted in ClinVar's aggregate classification.

NM_000260.4(MYO7A):c.4471G>A (p.Val1491Met)

Gene: MYO7A (myosin VIIA; plus strand). Cytogenetic location: 11q13.5.
Variant type: single nucleotide variant.
Coding change: c.4471G>A on transcript NM_000260.4 (MANE Select); coding-DNA position 4471, G replaced by A.
Protein change: p.Val1491Met; replaces valine 1491 with methionine.
Molecular consequence: missense variant.
Genome position (GRCh38, 1-based): chr11:77,198,524, G>A. VCF-style: chr11-77198524-G-A. GRCh37 (hg19) VCF-style: chr11-76909569-G-A.
Other names: p.(Val1491Met); c.4471G>A, p.Val1491Met (NM_001127180.2); c.4438G>A, p.Val1480Met (NM_001369365.1); short protein forms V1491M, V1480M.
Identifiers: ClinVar variation 43243 (VCV000043243.18), dbSNP rs369768947, ClinGen allele CA132328.
Genomic context (GRCh38, chr11:77,198,524, plus strand): 5'-CCTGCCTCTCAGTGCCTTGGTCTCGTCCCAGGCCCCAGTCTCCCCAAGAACGACGTCATC[G>A]TGGCCGTCAACTGGACGGGTGTGTACTTTGTGGATGAGCAGGAGCAGGTACTTCTGGAGC-3'
Protein context (NP_000251.3, residues 1481-1501): GPSLPKNDVI[Val1491Met]AVNWTGVYFV